The following is an entry in ClinVar:

NM_012338.4(TSPAN12):c.151G>T (p.Val51Leu)

Gene: TSPAN12 (tetraspanin 12; minus strand). Cytogenetic location: 7q31.31.
Variant type: single nucleotide variant.
Coding change: c.151G>T on transcript NM_012338.4 (MANE Select); coding-DNA position 151, G replaced by T.
Protein change: p.Val51Leu; replaces valine 51 with leucine.
Molecular consequence: missense variant.
Genome position (GRCh38, 1-based): chr7:120,838,911, C>A on the plus strand (G>T on the coding strand, the complement: TSPAN12 is on the minus strand). VCF-style: chr7-120838911-C-A. GRCh37 (hg19) VCF-style: chr7-120478965-C-A.
Other names: short protein forms V51L.
Identifiers: ClinVar variation 972578 (VCV000972578.9), dbSNP rs776239832, ClinGen allele CA369141450.

ClinVar aggregate classification (germline): Uncertain significance (1 of 4 stars; one submission).

gnomAD v4.1: 1 of 1,613,804 alleles (0.000062%); highest among the groups gnomAD compares: Non-Finnish European, 0.000085%; no homozygotes.

Submission:

Labcorp Genetics (formerly Invitae), Labcorp
Classification: Uncertain significance. Last evaluated: 2020-03-06. Review status: criteria provided, single submitter. Criteria: Invitae Variant Classification Sherloc (09022015). Collection method: clinical testing. Allele origin: germline.
Comment: This sequence change replaces valine with leucine at codon 51 of the TSPAN12 protein (p.Val51Leu). The valine residue is highly conserved and there is a small physicochemical difference between valine and leucine. This variant is not present in population databases (ExAC no frequency). This variant has not been reported in the literature in individuals with TSPAN12-related conditions. Algorithms developed to predict the effect of missense changes on protein structure and function (SIFT, PolyPhen-2, Align-GVGD) all suggest that this variant is likely to be tolerated, but these predictions have not been confirmed by published functional studies and their clinical significance is uncertain. Algorithms developed to predict the effect of sequence changes on RNA splicing suggest that this variant may create or strengthen a splice site, but this prediction has not been confirmed by published transcriptional studies. In summary, the available evidence is currently insufficient to determine the role of this variant in disease. Therefore, it has been classified as a Variant of Uncertain Significance.